The following is an entry in ClinVar:

NM_001854.4(COL11A1):c.1351-169del

Gene: COL11A1 (collagen type XI alpha 1 chain; minus strand). Cytogenetic location: 1p21.1.
Variant type: Deletion.
Coding change: c.1351-169del on transcript NM_001854.4 (MANE Select); 169 bases into the intron before coding-DNA position 1351, one base deleted (A; older notation c.1351-169delA).
Molecular consequence: intron variant.
Genome position (GRCh38, 1-based): chr1:103,018,051, T deleted on the plus strand (A on the coding strand, the reverse complement: COL11A1 is on the minus strand); the first of 3 consecutive T bases (chr1:103,018,051-103,018,053); deleting any one gives the same sequence. VCF-style (leftmost placement, unchanged base first): chr1-103018050-AT-A. GRCh37 (hg19) VCF-style: chr1-103483606-AT-A.
Other names: c.1234-169del (NM_001190709.2); c.1387-169del (NM_080629.3); c.1003-169del (NM_080630.4).
Identifiers: ClinVar variation 679467 (VCV000679467.1), dbSNP rs141009352, ClinGen allele CA27743102.
Genomic context (GRCh38, chr1:103,018,050, plus strand): 5'-CTAGAGTTCTAAACAGTTGCCCTATTTATCTTCCTGTGAAAAGACAACATATAGAAACCA[AT>A]TTGTAGCTAGTTCAGCTGCTCTCAGGGTGGAGGCAAACATTTCAAGGAAAAACAGGAAAG-3'

ClinVar aggregate classification (germline): Likely benign (1 of 4 stars; one submission).

Submission:

GeneDx
Classification: Likely benign. Last evaluated: 2018-06-14. Review status: criteria provided, single submitter. Criteria: GeneDx Variant Classification (06012015). Collection method: clinical testing. Allele origin: germline. Affected: yes.
Comment: This variant is considered likely benign or benign based on one or more of the following criteria: it is a conservative change, it occurs at a poorly conserved position in the protein, it is predicted to be benign by multiple in silico algorithms, and/or has population frequency not consistent with disease.